The following is an entry in ClinVar:

NM_000051.4(ATM):c.2252C>G (p.Ser751Cys)

Gene: ATM (ATM serine/threonine kinase; plus strand). Cytogenetic location: 11q22.3.
Variant type: single nucleotide variant.
Coding change: c.2252C>G on transcript NM_000051.4 (MANE Select); coding-DNA position 2252, C replaced by G.
Protein change: p.Ser751Cys; replaces serine 751 with cysteine.
Molecular consequence: missense variant.
Genome position (GRCh38, 1-based): chr11:108,257,482, C>G. VCF-style: chr11-108257482-C-G. GRCh37 (hg19) VCF-style: chr11-108128209-C-G.
Other names: c.2252C>G, p.Ser751Cys (NM_001351834.2); short protein forms S751C.
Identifiers: ClinVar variation 1788455 (VCV001788455.3), dbSNP rs2080573350, ClinGen allele CA382539511.

ClinVar aggregate classification (germline): Uncertain significance (1 of 4 stars; one submission).

Conditions:
Hereditary cancer-predisposing syndrome. Also called: Neoplastic Syndromes, Hereditary; Tumor predisposition; Hereditary Cancer Syndrome; Hereditary neoplastic syndrome. Identifiers: Orphanet 140162, MedGen C0027672, MeSH D009386, MONDO:0015356.

Allele frequency attached by ClinVar (database versions not stated): gnomAD exomes below 0.00001.
gnomAD v4.1: 2 of 1,612,586 alleles (0.00012%); highest among the groups gnomAD compares: East Asian, 0.0045%; no homozygotes.

Submission:

Ambry Genetics
Classification: Uncertain significance for Hereditary cancer-predisposing syndrome. Last evaluated: 2025-12-01. Review status: criteria provided, single submitter. Criteria: Ambry Variant Classification Scheme 2023. Collection method: clinical testing. Allele origin: germline.
Comment: The p.S751C variant (also known as c.2252C>G), located in coding exon 14 of the ATM gene, results from a C to G substitution at nucleotide position 2252. The serine at codon 751 is replaced by cysteine, an amino acid with dissimilar properties. This amino acid position is highly conserved in available vertebrate species. In addition, this alteration is predicted to be deleterious by in silico analysis. Based on the available evidence, the clinical significance of this variant remains unclear.